The following is an entry in ClinVar:

ClinVar aggregate classification (germline): Uncertain significance. Review status: criteria provided, multiple submitters, no conflicts (2 of 4 stars). 3 submissions from 3 submitters: Uncertain significance (3). Last evaluated 2026-01-05.

Conditions:
Myopathy, centronuclear, 2 (CNM2). Also called: MYOTUBULAR MYOPATHY, AUTOSOMAL RECESSIVE. Identifiers: Orphanet 169186, MedGen CN031787, MONDO:0009709, OMIM 255200.

Allele frequency attached by ClinVar (database versions not stated): ESP Exome Variant Server 0.00031; gnomAD 0.00011; TOPMed 0.00014; ExAC 0.00022; gnomAD exomes 0.00011.
gnomAD v4.1: 380 of 1,591,714 alleles (0.024%); highest among the groups gnomAD compares: Non-Finnish European, 0.031%; no homozygotes.

Submissions (3):

Labcorp Genetics (formerly Invitae), Labcorp
Classification: Uncertain significance for Myopathy, centronuclear, 2. Last evaluated: 2026-01-05. Review status: criteria provided, single submitter. Criteria: Invitae Variant Classification Sherloc (09022015). Collection method: clinical testing. Allele origin: germline.
Comment: This sequence change replaces glutamic acid, which is acidic and polar, with lysine, which is basic and polar, at codon 309 of the BIN1 protein (p.Glu309Lys). This variant is present in population databases (rs374565677, gnomAD 0.02%). This variant has not been reported in the literature in individuals affected with BIN1-related conditions. ClinVar contains an entry for this variant (Variation ID: 389673). Invitae Evidence Modeling of protein sequence and biophysical properties (such as structural, functional, and spatial information, amino acid conservation, physicochemical variation, residue mobility, and thermodynamic stability) indicates that this missense variant is not expected to disrupt BIN1 protein function with a negative predictive value of 80%. In summary, the available evidence is currently insufficient to determine the role of this variant in disease. Therefore, it has been classified as a Variant of Uncertain Significance.

Revvity Omics, Revvity
Classification: Uncertain significance for Myopathy, centronuclear, 2. Last evaluated: 2019-09-13. Review status: criteria provided, single submitter. Criteria: ACMG Guidelines, 2015. Collection method: clinical testing. Allele origin: germline.

GeneDx
Classification: Uncertain significance. Last evaluated: 2016-10-14. Review status: criteria provided, single submitter. Criteria: GeneDx Variant Classification (06012015). Collection method: clinical testing. Allele origin: germline. Affected: yes.
Comment: The E309K variant in the BIN1 gene has not been reported previously as a pathogenic variant, nor as a benign variant, to our knowledge. The E309K variant was not observed at any significant frequency in approximately 6500 individuals of European and African American ancestry in the NHLBI Exome Sequencing Project, indicating it is not a common benign variant in these populations. The E309K variant is a non-conservative amino acid substitution, which is likely to impact secondary protein structure as these residues differ in polarity, charge, size and/or other properties. This substitution occurs at a position that is conserved in mammals. In silico analysis is inconsistent in its predictions as to whether or not the variant is damaging to the protein structure/function. We interpret E309K as a variant of uncertain significance.

NM_139343.3(BIN1):c.925G>A (p.Glu309Lys)

Gene: BIN1 (bridging integrator 1; minus strand). Cytogenetic location: 2q14.3.
Variant type: single nucleotide variant.
Coding change: c.925G>A on transcript NM_139343.3 (MANE Select); coding-DNA position 925, G replaced by A.
Protein change: p.Glu309Lys; replaces glutamic acid 309 with lysine.
Molecular consequence: missense variant.
Genome position (GRCh38, 1-based): chr2:127,059,088, C>T on the plus strand (G>A on the coding strand, the complement: BIN1 is on the minus strand). VCF-style: chr2-127059088-C-T. GRCh37 (hg19) VCF-style: chr2-127816664-C-T.
Other names: c.877G>A, p.Glu293Lys (NM_001320632.2, NM_004305.4, NM_139346.3); c.925G>A, p.Glu309Lys (NM_001320633.2, NM_001320640.2, NM_139344.3 and 1 more transcripts); c.760G>A, p.Glu254Lys (NM_001320634.1); c.832G>A, p.Glu278Lys (NM_001320641.2, NM_139347.3, NM_139348.3 and 3 more transcripts); c.844G>A, p.Glu282Lys (NM_001320642.1); short protein forms E309K, E278K, E254K, E282K, E293K.
Identifiers: ClinVar variation 389673 (VCV000389673.12), dbSNP rs374565677, ClinGen allele CA1857232.
Genomic context (GRCh38, chr2:127,059,088, plus strand): 5'-GGAGGGTGGCCCCGGGCGTGGCCCCGCCGGCCGGCTCTGGCTCGTGGTTGACTCTGATCT[C>T]GGGGGTGGCGGCAGGGGAGCCATCTGGAGGCGAAGGGCTCTTGTTCCCTTTTGCAGGCGC-3'
Protein context (NP_647593.1, residues 299-319): PPDGSPAATP[Glu309Lys]IRVNHEPEPA